The following is an entry in ClinVar:

ClinVar aggregate classification (germline): Uncertain significance (1 of 4 stars; one submission).

Conditions:
Arrhythmogenic cardiomyopathy with wooly hair and keratoderma. Also called: Carvajal syndrome; PALMOPLANTAR KERATODERMA WITH LEFT VENTRICULAR CARDIOMYOPATHY AND WOOLLY HAIR; Dilated cardiomyopathy with woolly hair and keratoderma; Arrhythmogenic cardiomyopathy with woolly hair and keratoderma. Identifiers: Orphanet 65282, MedGen C1854063, MONDO:0011581, OMIM 605676.

Submission:

All of Us Research Program, National Institutes of Health
Classification: Uncertain significance for Arrhythmogenic cardiomyopathy with wooly hair and keratoderma. Last evaluated: 2024-04-16. Review status: criteria provided, single submitter. Criteria: ACMG Guidelines, 2015. Collection method: clinical testing. Allele origin: germline. Inheritance: Autosomal dominant inheritance. Observed: 1 variant allele, 1 heterozygote.
Comment: This missense variant replaces arginine with lysine at codon 1452 of the DSP protein. Computational prediction suggests that this variant may not impact protein structure and function (internally defined REVEL score threshold <= 0.5, PMID: 27666373). To our knowledge, functional studies have not been reported for this variant. This variant has not been reported in individuals affected with DSP-related disorders in the literature. This variant has not been identified in the general population by the Genome Aggregation Database (gnomAD). The available evidence is insufficient to determine the role of this variant in disease conclusively. Therefore, this variant is classified as a Variant of Uncertain Significance.

This study involves interpretation of variants in research participants for the purpose of population health screening. Participant phenotype was not available at the time of variant classification. Additional details can be found in publication PMID: 35346344, PMCID: PMC8962531

NM_004415.4(DSP):c.4355G>A (p.Arg1452Lys)

Gene: DSP (desmoplakin; plus strand). Cytogenetic location: 6p24.3.
Variant type: single nucleotide variant.
Coding change: c.4355G>A on transcript NM_004415.4 (MANE Select); coding-DNA position 4355, G replaced by A.
Protein change: p.Arg1452Lys; replaces arginine 1452 with lysine.
Molecular consequence: missense variant. On other transcripts: intron variant (2).
Genome position (GRCh38, 1-based): chr6:7,580,545, G>A. VCF-style: chr6-7580545-G-A. GRCh37 (hg19) VCF-style: chr6-7580778-G-A.
Other names: c.4050+305G>A (NM_001319034.2); c.3582+773G>A (NM_001008844.3); short protein forms R1452K.
Identifiers: ClinVar variation 3386679 (VCV003386679.1).